The following is an entry in ClinVar:

NM_016630.7(SPG21):c.811-4A>T

Gene: SPG21 (SPG21 abhydrolase domain containing, maspardin; minus strand). Cytogenetic location: 15q22.31.
Variant type: single nucleotide variant.
Coding change: c.811-4A>T on transcript NM_016630.7 (MANE Select); 4 bases into the intron before coding-DNA position 811, A replaced by T.
Molecular consequence: intron variant.
Genome position (GRCh38, 1-based): chr15:64,963,740, T>A on the plus strand (A>T on the coding strand, the complement: SPG21 is on the minus strand). VCF-style: chr15-64963740-T-A. GRCh37 (hg19) VCF-style: chr15-65256081-T-A.
Other names: c.730-4A>T (NM_001127890.5); c.811-4A>T (NM_001127889.5).
Identifiers: ClinVar variation 641199 (VCV000641199.9), dbSNP rs772074615, ClinGen allele CA271497835.
Genomic context (GRCh38, chr15:64,963,740, plus strand): 5'-GACCATTGATGGGTCAATGGCCGCGTATTTGGTTCCATGGAATTGCAGCAAATGTATCTG[T>A]TGAAATGCAGAATCATTATTTTATTTATTTTTTGAGCTGGAGTGTCACTCTTGTTGCCCA-3'

ClinVar aggregate classification (germline): Uncertain significance (1 of 4 stars; one submission).

Conditions:
Mast syndrome. Also called: SPASTIC PARAPLEGIA 21, AUTOSOMAL RECESSIVE. Identifiers: Orphanet 101001, MedGen C1855346, MONDO:0009568, OMIM 248900.

Allele frequency attached by ClinVar (database versions not stated): TOPMed 0.00002.
gnomAD v4.1: 4 of 1,610,648 alleles (0.00025%); highest among the groups gnomAD compares: African/African-American, 0.0053%; no homozygotes.

Submission:

Labcorp Genetics (formerly Invitae), Labcorp
Classification: Uncertain significance for Mast syndrome. Last evaluated: 2018-11-15. Review status: criteria provided, single submitter. Criteria: Invitae Variant Classification Sherloc (09022015). Collection method: clinical testing. Allele origin: germline.
Comment: In summary, the available evidence is currently insufficient to determine the role of this variant in disease. Therefore, it has been classified as a Variant of Uncertain Significance. Algorithms developed to predict the effect of sequence changes on RNA splicing suggest that this variant may disrupt the consensus splice site, but this prediction has not been confirmed by published transcriptional studies. This variant has not been reported in the literature in individuals with SPG21-related disease. This variant is not present in population databases (ExAC no frequency). This sequence change falls in intron 8 of the SPG21 gene. It does not directly change the encoded amino acid sequence of the SPG21 protein.